The following is an entry in ClinVar:

NM_001356.5(DDX3X):c.623del (p.Lys208fs)

Gene: DDX3X (DEAD-box helicase 3 X-linked; plus strand). Cytogenetic location: Xp11.4.
Variant type: Deletion.
Coding change: c.623del on transcript NM_001356.5 (MANE Select); coding-DNA position 623, one base deleted (A; older notation c.623delA).
Protein change: p.Lys208fs; shifts the reading frame from lysine 208.
Molecular consequence: frameshift variant. On other transcripts: non-coding transcript variant (1).
Genome position (GRCh38, 1-based): chrX:41,343,295, A deleted; the last of 4 consecutive A bases (chrX:41,343,292-41,343,295); deleting any one gives the same sequence. VCF-style (leftmost placement, unchanged base first): chrX-41343291-CA-C. GRCh37 (hg19) VCF-style: chrX-41202544-CA-C.
Other names: c.623del, p.Lys208fs (NM_001193416.3); c.575del, p.Lys192fs (NM_001193417.3); c.65del, p.Lys22fs (NM_001363819.1); c.623delA (NM_001193416.1); c.623del (NM_001193416.1); short protein forms K192fs, K22fs, K208fs.
Identifiers: ClinVar variation 432784 (VCV000432784.3), dbSNP rs1555953169, ClinGen allele CA645372677.

ClinVar aggregate classification (germline): Pathogenic (1 of 4 stars; one submission).

Submission:

GeneDx
Classification: Pathogenic. Last evaluated: 2024-01-08. Review status: criteria provided, single submitter. Criteria: GeneDx Variant Classification Process June 2021. Collection method: clinical testing. Allele origin: germline. Affected: yes.
Comment: Frameshift variant predicted to result in protein truncation or nonsense mediated decay in a gene for which loss of function is a known mechanism of disease; Not observed at significant frequency in large population cohorts (gnomAD); This variant is associated with the following publications: (PMID: 32135084)